The following is an entry in ClinVar:

ClinVar aggregate classification (germline): Uncertain significance (1 of 4 stars; one submission).

Conditions:
Myoclonic dystonia 11 (DYT11). Also called: Myoclonic dystonia; Dystonia 11; Dystonia, alcohol responsive; Hereditary essential myoclonus; SGCE Myoclonus-Dystonia; Myoclonus-Dystonia. Identifiers: Orphanet 36899, MedGen C1834570, MONDO:0008044, OMIM 159900.

Allele frequency attached by ClinVar (database versions not stated): gnomAD 0.00001.
gnomAD v4.1: 4 of 1,611,112 alleles (0.00025%); highest among the groups gnomAD compares: South Asian, 0.0011%; no homozygotes.

Submission:

Labcorp Genetics (formerly Invitae), Labcorp
Classification: Uncertain significance for Myoclonic dystonia 11. Last evaluated: 2022-10-25. Review status: criteria provided, single submitter. Criteria: Invitae Variant Classification Sherloc (09022015). Collection method: clinical testing. Allele origin: germline.
Comment: This sequence change replaces alanine, which is neutral and non-polar, with valine, which is neutral and non-polar, at codon 28 of the SGCE protein (p.Ala28Val). This variant is present in population databases (no rsID available, gnomAD 0.01%). This variant has not been reported in the literature in individuals affected with SGCE-related conditions. Algorithms developed to predict the effect of missense changes on protein structure and function (SIFT, PolyPhen-2, Align-GVGD) all suggest that this variant is likely to be tolerated. In summary, the available evidence is currently insufficient to determine the role of this variant in disease. Therefore, it has been classified as a Variant of Uncertain Significance.

NM_003919.3(SGCE):c.83C>T (p.Ala28Val)

Gene: SGCE (sarcoglycan epsilon; minus strand). Cytogenetic location: 7q21.3.
Variant type: single nucleotide variant.
Coding change: c.83C>T on transcript NM_003919.3 (MANE Select); coding-DNA position 83, C replaced by T.
Protein change: p.Ala28Val; replaces alanine 28 with valine.
Molecular consequence: missense variant. On other transcripts: 5 prime UTR variant (4).
Genome position (GRCh38, 1-based): chr7:94,656,016, G>A on the plus strand (C>T on the coding strand, the complement: SGCE is on the minus strand). VCF-style: chr7-94656016-G-A. GRCh37 (hg19) VCF-style: chr7-94285328-G-A.
Other names: c.83C>T, p.Ala28Val (NM_001099400.2, NM_001099401.2, NM_001301139.2 and 4 more transcripts); c.-175C>T (NM_001346719.2); c.-253C>T (NM_001346720.2, NM_001362808.2); c.-181C>T (NM_001362807.2); short protein forms A28V.
Identifiers: ClinVar variation 2177893 (VCV002177893.4), dbSNP rs1458308050, ClinGen allele CA368393594.
Genomic context (GRCh38, chr7:94,656,016, plus strand): 5'-CCCGGGACCTCCACGTCGCGCGCAGGCCACTAACCTGTCAGCAAGAATGTGCCAGTGGTC[G>A]CGGGGCTCATCCTGCGTGTCCCCCGACCCTGTCCCGTCCAAGCACAGGGGTCTCCCAGCT-3'
Protein context (NP_003910.1, residues 18-38): QGRGTRRMSP[Ala28Val]TTGTFLLTVY